The following is an entry in ClinVar:

NM_001267550.2(TTN):c.63580C>T (p.Leu21194Phe)

Genes: TTN (titin; minus strand), TTN-AS1 (TTN antisense RNA 1; plus strand). Cytogenetic location: 2q31.2.
Variant type: single nucleotide variant.
Coding change: c.63580C>T on transcript NM_001267550.2 (MANE Select); coding-DNA position 63580, C replaced by T.
Protein change: p.Leu21194Phe; replaces leucine 21194 with phenylalanine.
Molecular consequence: missense variant.
Genome position (GRCh38, 1-based): chr2:178,587,729, G>A on the plus strand (C>T on the coding strand, the complement: TTN is on the minus strand). VCF-style: chr2-178587729-G-A. GRCh37 (hg19) VCF-style: chr2-179452456-G-A.
Other names: c.58657C>T, p.Leu19553Phe (NM_001256850.1); c.36385C>T, p.Leu12129Phe (NM_003319.4); c.55876C>T, p.Leu18626Phe (NM_133378.4); c.36760C>T, p.Leu12254Phe (NM_133432.3); c.36961C>T, p.Leu12321Phe (NM_133437.4); short protein forms L12129F, L12254F, L12321F, L18626F, L19553F, L21194F.
Identifiers: ClinVar variation 3344143 (VCV003344143.2).

ClinVar aggregate classification (germline): Uncertain significance (1 of 4 stars; one submission).

Conditions:
TTN-related disorder. Also called: TTN-related condition; TTN-related disease; TTN-related disorders.

Submission:

PreventionGenetics, part of Exact Sciences
Classification: Uncertain significance for TTN-related condition. Last evaluated: 2026-03-16. Review status: criteria provided, single submitter. Criteria: ACMG Guidelines, 2015. Collection method: clinical testing. Allele origin: germline.
Comment: The TTN c.63580C>T variant is predicted to result in the amino acid substitution p.Leu21194Phe. To our knowledge, this variant has not been reported in the literature or in a large population database (gnomAD), indicating this variant is rare. At this time, the clinical significance of this variant is uncertain due to the absence of conclusive functional and genetic evidence.